The following is an entry in ClinVar:

NM_024899.4(CEP76):c.934-10T>C

Genes: CEP76 (centrosomal protein 76; minus strand), PSMG2 (proteasome assembly chaperone 2; plus strand). Cytogenetic location: 18p11.21.
Variant type: single nucleotide variant.
Coding change: c.934-10T>C on transcript NM_024899.4 (MANE Select); 10 bases into the intron before coding-DNA position 934, T replaced by C.
Molecular consequence: intron variant.
Genome position (GRCh38, 1-based): chr18:12,686,460, A>G on the plus strand (T>C on the coding strand, the complement: CEP76 is on the minus strand). VCF-style: chr18-12686460-A-G. GRCh37 (hg19) VCF-style: chr18-12686459-A-G.
Other names: c.-36-20090A>G (NM_147163.2); c.709-10T>C (NM_001271989.2).
Identifiers: ClinVar variation 3040766 (VCV003040766.2), dbSNP rs368220385, ClinGen allele CA8897924.

ClinVar aggregate classification (germline): Likely benign (0 of 4 stars; one submission).

Conditions:
CEP76-related disorder. Also called: CEP76-related condition.

Allele frequency attached by ClinVar (database versions not stated): gnomAD exomes 0.00007; ExAC 0.00019; TOPMed 0.00057; gnomAD 0.00057.
gnomAD v4.1: 195 of 1,590,824 alleles (0.012%); highest among the groups gnomAD compares: African/African-American, 0.22%; no homozygotes.

Submission:

PreventionGenetics, part of Exact Sciences
Classification: Likely benign for CEP76-related condition. Last evaluated: 2019-10-28. Review status: no assertion criteria provided. Collection method: clinical testing. Allele origin: germline.
Comment: This variant is classified as likely benign based on ACMG/AMP sequence variant interpretation guidelines (Richards et al. 2015 PMID: 25741868, with internal and published modifications).